The following is an entry in ClinVar:

ClinVar aggregate classification (germline): Uncertain significance (1 of 4 stars; one submission).

Conditions:
Koolen-de Vries syndrome (KDVS). Identifiers: Orphanet 96169, MedGen C1864871, MONDO:0012496, OMIM 610443.

Submission:

Labcorp Genetics (formerly Invitae), Labcorp
Classification: Uncertain significance for Koolen-de Vries syndrome. Last evaluated: 2023-11-06. Review status: criteria provided, single submitter. Criteria: Invitae Variant Classification Sherloc (09022015). Collection method: clinical testing. Allele origin: germline.
Comment: This variant, c.2514_2519dup, results in the insertion of 2 amino acid(s) of the KANSL1 protein (p.Ser839_Ser840dup), but otherwise preserves the integrity of the reading frame. This variant is not present in population databases (gnomAD no frequency). This variant has not been reported in the literature in individuals affected with KANSL1-related conditions. In summary, the available evidence is currently insufficient to determine the role of this variant in disease. Therefore, it has been classified as a Variant of Uncertain Significance.

NM_015443.4(KANSL1):c.2514_2519dup (p.Ser840_Gln841insSerSer)

Gene: KANSL1 (KAT8 regulatory NSL complex subunit 1). Cytogenetic location: 17q21.31.
Variant type: Duplication.
Coding change: c.2514_2519dup on transcript NM_015443.4 (MANE Select); coding-DNA positions 2514 to 2519, 6 bases duplicated.
Protein change: p.Ser840_Gln841insSerSer.
Molecular consequence: inframe insertion.
Genome position: GRCh38 VCF-style: chr17-46038559-T-TGAGCTA. GRCh37 (hg19) VCF-style: chr17-44115925-T-TGAGCTA.
Other names: c.2514_2519dup, p.Ser840_Gln841insSerSer (NM_001193465.2, NM_001193466.2, NM_001379198.1 and 8 more transcripts); c.2412_2417dup, p.Ser806_Gln807insSerSer (NM_001405859.1, NM_001405860.1, NM_001405861.1 and 1 more transcripts); c.2325_2330dup, p.Ser777_Gln778insSerSer (NM_001405875.1, NM_001405876.1, NM_001405877.1 and 3 more transcripts); c.1248_1253dup, p.Ser418_Gln419insSerSer (NM_001405882.1, NM_001405883.1); c.1059_1064dup, p.Ser355_Gln356insSerSer (NM_001405884.1, NM_001405885.1).
Identifiers: ClinVar variation 2770015 (VCV002770015.3), dbSNP rs2510470487, ClinGen allele CA2697560157.
Genomic context (GRCh38, chr17:46,038,559, plus strand): 5'-GCAGAGGGGGTGTCCGGCCAACCCCACACAGGTACTTACCGATGTGCTGGCTGTAACCTG[T>TGAGCTA]GAGCTAGAGCTGGCGGGTGCAGGGGAATCTGAGGAGGTGGAGAGCTGTCGCACCAAGGGA-3'